The following is an entry in ClinVar:

NM_001004356.3(FGFRL1):c.1511G>T (p.Cys504Phe)

Gene: FGFRL1 (fibroblast growth factor receptor like 1; plus strand). Cytogenetic location: 4p16.3.
Variant type: single nucleotide variant.
Coding change: c.1511G>T on transcript NM_001004356.3 (MANE Select); coding-DNA position 1511, G replaced by T.
Protein change: p.Cys504Phe; replaces cysteine 504 with phenylalanine.
Molecular consequence: missense variant.
Genome position (GRCh38, 1-based): chr4:1,025,343, G>T. VCF-style: chr4-1025343-G-T. GRCh37 (hg19) VCF-style: chr4-1019131-G-T.
Other names: c.1511G>T, p.Cys504Phe (NM_001004358.1, NM_001370296.1, NM_021923.3); short protein forms C504F.
Identifiers: ClinVar variation 2065136 (VCV002065136.4), dbSNP rs2534156703, ClinGen allele CA355936536.

ClinVar aggregate classification (germline): Uncertain significance (1 of 4 stars; one submission).

Submission:

Labcorp Genetics (formerly Invitae), Labcorp
Classification: Uncertain significance. Last evaluated: 2021-12-29. Review status: criteria provided, single submitter. Criteria: Invitae Variant Classification Sherloc (09022015). Collection method: clinical testing. Allele origin: germline.
Comment: In summary, the available evidence is currently insufficient to determine the role of this variant in disease. Therefore, it has been classified as a Variant of Uncertain Significance. Algorithms developed to predict the effect of missense changes on protein structure and function are either unavailable or do not agree on the potential impact of this missense change (SIFT: "Tolerated"; PolyPhen-2: "Probably Damaging"; Align-GVGD: "Class C0"). This variant has not been reported in the literature in individuals affected with FGFRL1-related conditions. This variant is not present in population databases (gnomAD no frequency). This sequence change replaces cysteine, which is neutral and slightly polar, with phenylalanine, which is neutral and non-polar, at codon 504 of the FGFRL1 protein (p.Cys504Phe).